The following is an entry in ClinVar:

ClinVar aggregate classification (germline): Uncertain significance (1 of 4 stars; one submission).

Conditions:
Hereditary cancer-predisposing syndrome. Also called: Neoplastic Syndromes, Hereditary; Tumor predisposition; Hereditary neoplastic syndrome; Hereditary Cancer Syndrome. Identifiers: Orphanet 140162, MedGen C0027672, MeSH D009386, MONDO:0015356.

Submission:

Ambry Genetics
Classification: Uncertain significance for Hereditary cancer-predisposing syndrome. Last evaluated: 2026-06-19. Review status: criteria provided, single submitter. Criteria: Ambry Variant Classification Scheme 2023. Collection method: clinical testing. Allele origin: germline.
Comment: The p.A349S variant (also known as c.1045G>T), located in coding exon 5 of the RET gene, results from a G to T substitution at nucleotide position 1045. The alanine at codon 349 is replaced by serine, an amino acid with similar properties. This amino acid position is conserved. In addition, this alteration is predicted to be tolerated by in silico analysis. Based on the available evidence, the clinical significance of this variant remains unclear.

NM_020975.6(RET):c.1045G>T (p.Ala349Ser)

Gene: RET (ret proto-oncogene; plus strand). Cytogenetic location: 10q11.21.
Variant type: single nucleotide variant.
Coding change: c.1045G>T on transcript NM_020975.6 (MANE Select); coding-DNA position 1045, G replaced by T.
Protein change: p.Ala349Ser; replaces alanine 349 with serine.
Molecular consequence: missense variant. On other transcripts: intron variant (25).
Genome position (GRCh38, 1-based): chr10:43,106,553, G>T. VCF-style: chr10-43106553-G-T. GRCh37 (hg19) VCF-style: chr10-43602001-G-T.
Other names: c.283G>T, p.Ala95Ser (NM_001355216.2); c.1045G>T, p.Ala349Ser (NM_001406743.1, NM_001406744.1, NM_001406759.1 and 4 more transcripts); c.916G>T, p.Ala306Ser (NM_001406761.1, NM_001406762.1, NM_001406764.1 and 1 more transcripts); c.757G>T, p.Ala253Ser (NM_001406766.1, NM_001406767.1, NM_001406770.1); c.867+1360G>T (NM_001406772.1, NM_001406769.1); c.626-2478G>T (NM_001406773.1, NM_001406771.1); c.625+3924G>T (NM_001406782.1, NM_001406780.1, NM_001406779.1 and 3 more transcripts); c.738+1360G>T (NM_001406774.1); and 5 more; short protein forms A349S, A253S, A306S, A95S.
Identifiers: ClinVar variation 5028159 (VCV005028159.1).